The following is an entry in ClinVar:

ClinVar aggregate classification (germline): Pathogenic (1 of 4 stars; one submission).

Conditions:
Acrocallosal syndrome (ACLS). Also called: HALLUX DUPLICATION, POSTAXIAL POLYDACTYLY, AND ABSENCE OF CORPUS CALLOSUM; Schinzel syndrome 1; Absence of corpus callosum with unusual facial appearance, mental deficiency, duplication of the halluces and polydactyly. Identifiers: Orphanet 36, MedGen C0796147, MONDO:0008708, OMIM 200990.

Submission:

Labcorp Genetics (formerly Invitae), Labcorp
Classification: Pathogenic for Acrocallosal syndrome. Last evaluated: 2023-01-10. Review status: criteria provided, single submitter. Criteria: Invitae Variant Classification Sherloc (09022015). Collection method: clinical testing. Allele origin: germline.
Comment: This sequence change creates a premature translational stop signal (p.Trp443*) in the KIF7 gene. It is expected to result in an absent or disrupted protein product. Loss-of-function variants in KIF7 are known to be pathogenic (PMID: 19666503, 21552264, 21633164, 26648833). For these reasons, this variant has been classified as Pathogenic. This variant has not been reported in the literature in individuals affected with KIF7-related conditions. This variant is present in population databases (no rsID available, gnomAD 0.007%).

Literature cited by the submitters: PubMed 19666503; PubMed 21552264; PubMed 21633164; PubMed 26648833.

NM_198525.3(KIF7):c.1329G>A (p.Trp443Ter)

Gene: KIF7 (kinesin family member 7; minus strand). Cytogenetic location: 15q26.1.
Variant type: single nucleotide variant.
Coding change: c.1329G>A on transcript NM_198525.3 (MANE Select); coding-DNA position 1329, G replaced by A.
Protein change: p.Trp443Ter; replaces tryptophan 443 with a stop codon.
Molecular consequence: nonsense.
Genome position (GRCh38, 1-based): chr15:89,648,369, C>T on the plus strand (G>A on the coding strand, the complement: KIF7 is on the minus strand). VCF-style: chr15-89648369-C-T. GRCh37 (hg19) VCF-style: chr15-90191600-C-T.
Other names: short protein forms W443*.
Identifiers: ClinVar variation 2827463 (VCV002827463.3), dbSNP rs1444012324, ClinGen allele CA393771174.